The following is an entry in ClinVar:

NM_004563.4(PCK2):c.251G>A (p.Arg84Gln)

Genes: PCK2 (phosphoenolpyruvate carboxykinase 2, mitochondrial; plus strand), NRL (neural retina leucine zipper; minus strand). Cytogenetic location: 14q11.2.
Variant type: single nucleotide variant.
Coding change: c.251G>A on transcript NM_004563.4 (MANE Select); coding-DNA position 251, G replaced by A.
Protein change: p.Arg84Gln; replaces arginine 84 with glutamine.
Molecular consequence: missense variant. On other transcripts: 5 prime UTR variant (1), intron variant (4).
Genome position (GRCh38, 1-based): chr14:24,097,113, G>A. VCF-style: chr14-24097113-G-A. GRCh37 (hg19) VCF-style: chr14-24566322-G-A.
Other names: c.251G>A (NM_004563.3); c.251G>A, p.Arg84Gln (NM_001018073.3); c.-152G>A (NM_001308054.2); c.-27-14238C>T (NM_001354768.3, NM_001354770.2); c.-253-12368C>T (NM_006177.5); c.-127-1090G>A (NM_001291556.2); short protein forms R84Q.
Identifiers: ClinVar variation 1980085 (VCV001980085.7), dbSNP rs112490159, ClinGen allele CA7123046.

ClinVar aggregate classification (germline): Uncertain significance. Review status: criteria provided, multiple submitters, no conflicts (2 of 4 stars). 3 submissions from 3 submitters: Uncertain significance (3). Last evaluated 2025-12-03.

Conditions:
PCK2-related disorder. Also called: PCK2-related condition.

Allele frequency attached by ClinVar (database versions not stated): gnomAD exomes 0.00002; ExAC 0.00003; TOPMed 0.00003.
gnomAD v4.1: 32 of 1,613,956 alleles (0.002%); highest among the groups gnomAD compares: East Asian, 0.013%; no homozygotes.

Submissions (3):

PreventionGenetics, part of Exact Sciences
Classification: Uncertain significance for PCK2-related condition. Last evaluated: 2025-12-03. Review status: criteria provided, single submitter. Criteria: ACMG Guidelines, 2015. Collection method: clinical testing. Allele origin: germline.
Comment: The PCK2 c.251G>A variant is predicted to result in the amino acid substitution p.Arg84Gln. To our knowledge, this variant has not been reported in the literature. This variant is reported in 0.012% of alleles in individuals of African descent in gnomAD. At this time, the clinical significance of this variant is uncertain due to the absence of conclusive functional and genetic evidence.

Labcorp Genetics (formerly Invitae), Labcorp
Classification: Uncertain significance. Last evaluated: 2024-10-15. Review status: criteria provided, single submitter. Criteria: Invitae Variant Classification Sherloc (09022015). Collection method: clinical testing. Allele origin: germline.
Comment: This sequence change replaces arginine, which is basic and polar, with glutamine, which is neutral and polar, at codon 84 of the PCK2 protein (p.Arg84Gln). This variant is present in population databases (rs112490159, gnomAD 0.01%). This variant has not been reported in the literature in individuals affected with PCK2-related conditions. ClinVar contains an entry for this variant (Variation ID: 1980085). Invitae Evidence Modeling of protein sequence and biophysical properties (such as structural, functional, and spatial information, amino acid conservation, physicochemical variation, residue mobility, and thermodynamic stability) indicates that this missense variant is not expected to disrupt PCK2 protein function with a negative predictive value of 80%. In summary, the available evidence is currently insufficient to determine the role of this variant in disease. Therefore, it has been classified as a Variant of Uncertain Significance.

Ambry Genetics
Classification: Uncertain significance. Last evaluated: 2023-07-14. Review status: criteria provided, single submitter. Criteria: Ambry Variant Classification Scheme 2023. Collection method: clinical testing. Allele origin: germline.